The following is an entry in ClinVar:

NM_001034853.2(RPGR):c.30T>A (p.Asp10Glu)

Gene: RPGR (retinitis pigmentosa GTPase regulator; minus strand). Cytogenetic location: Xp11.4.
Variant type: single nucleotide variant.
Coding change: c.30T>A on transcript NM_001034853.2 (MANE Select); coding-DNA position 30, T replaced by A.
Protein change: p.Asp10Glu; replaces aspartic acid 10 with glutamic acid.
Molecular consequence: missense variant. On other transcripts: non-coding transcript variant (6).
Genome position (GRCh38, 1-based): chrX:38,323,523, A>T on the plus strand (T>A on the coding strand, the complement: RPGR is on the minus strand). VCF-style: chrX-38323523-A-T. GRCh37 (hg19) VCF-style: chrX-38182776-A-T.
Other names: NM_001034853.2(RPGR):c.30T>A; p.Asp10Glu; c.30T>A (NM_001034853.1); c.30T>A, p.Asp10Glu (NM_000328.3, NM_001367245.1, NM_001367246.1 and 4 more transcripts); c.60T>A, p.Asp20Glu (NM_001367248.1); short protein forms D10E, D20E.
Identifiers: ClinVar variation 1164487 (VCV001164487.25), dbSNP rs202156474, ClinGen allele CA10385740.

ClinVar aggregate classification (germline): Likely benign. Review status: reviewed by expert panel (3 of 4 stars). 6 submissions from 6 submitters: Likely benign (1). 5 of the submissions do not count toward it. Last evaluated 2025-09-06.

Conditions:
Primary ciliary dyskinesia. Also called: Ciliary dyskinesia. Identifiers: Orphanet 244, MedGen C0008780, MONDO:0016575, HP:0012265.
RPGR-related disorder. Also called: RPGR-related condition.
RPGR-related retinopathy. Also called: RPGR retinopathy. Identifiers: MedGen CN305589, MONDO:0100437.

Allele frequency attached by ClinVar (database versions not stated): gnomAD exomes 0.00002 and 0.00005; ExAC 0.00007; gnomAD 0.00033 and 0.00037; TOPMed 0.00035; ESP Exome Variant Server 0.00038.
gnomAD v4.1: 62 of 1,206,103 alleles (0.0051%); highest among the groups gnomAD compares: African/African-American, 0.1%; no homozygotes.

Submissions (6):

ClinGen X-linked Inherited Retinal Disease Variant Curation Expert Panel, ClinGen
Classification: Likely benign for RPGR-related retinopathy. Last evaluated: 2025-09-06. Review status: reviewed by expert panel. Criteria: ClinGen X LinkedIRD ACMG Specifications RPGR V1.0.0. Collection method: curation. Allele origin: germline. Inheritance: X-linked inheritance.
Comment: NM_001034853.2(RPGR):c.30T>A (p.Asp10Glu) is a missense variant causing the substitution of aspartic acid by glutamic acid at amino acid 10. This variant is present in gnomAD v4.1.0 at a frequency of 0.00004056 among hemizygous individuals, with 16 variant alleles / 394,487 total hemizygous alleles, which is higher than the ClinGen X-linked IRD VCEP BS1 threshold of >0.000005 (BS1). The computational predictor REVEL gives a score of 0.277, which is below the ClinGen X-linked IRD VCEP threshold of <0.290 and predicts a non-damaging effect on RPGR function. Additionally, the splicing impact predictor SpliceAI gives a delta score of 0.01, which is below the ClinGen X-linked IRD VCEP recommended threshold of <0.1 and does not strongly predict an impact on splicing (BP4). In summary, this variant is classified as likely benign for RPGR-related retinopathy based on the ClinGen X-linked Inherited Retinal Disease Expert Panel Specifications to the ACMG/AMP Variant Interpretation Guidelines for RPGR Version 1.0.0; BS1 and BP4.

Ambry Genetics
Classification: Benign for Primary ciliary dyskinesia. Last evaluated: 2026-09-04. Review status: criteria provided, single submitter. Criteria: Ambry Variant Classification Scheme 2023. Collection method: clinical testing. Allele origin: germline. Not counted in ClinVar's aggregate classification.

Labcorp Genetics (formerly Invitae), Labcorp
Classification: Benign for Primary ciliary dyskinesia. Last evaluated: 2026-01-25. Review status: criteria provided, single submitter. Criteria: Invitae Variant Classification Sherloc (09022015). Collection method: clinical testing. Allele origin: germline. Not counted in ClinVar's aggregate classification.

CeGaT Center for Human Genetics Tuebingen
Classification: Likely benign. Last evaluated: 2025-08-01. Review status: criteria provided, single submitter. Criteria: CeGaT Center For Human Genetics Tuebingen Variant Classification Criteria Version 2. Collection method: clinical testing. Allele origin: germline. Affected: yes. Observed: 1 variant allele. Not counted in ClinVar's aggregate classification.
Comment: RPGR: BS2

PreventionGenetics, part of Exact Sciences
Classification: Likely benign for RPGR-related condition. Last evaluated: 2024-10-10. Review status: criteria provided, single submitter. Criteria: ACMG Guidelines, 2015. Collection method: clinical testing. Allele origin: germline. Not counted in ClinVar's aggregate classification.
Comment: This variant is classified as likely benign based on ACMG/AMP sequence variant interpretation guidelines (Richards et al. 2015 PMID: 25741868, with internal and published modifications).

Blueprint Genetics
Classification: Benign. Last evaluated: 2019-06-28. Review status: criteria provided, single submitter. Criteria: ACMG Guidelines, 2015. Collection method: clinical testing. Allele origin: germline. Not counted in ClinVar's aggregate classification.